The following is an entry in ClinVar:

NM_000368.5(TSC1):c.3400A>C (p.Asn1134His)

Gene: TSC1 (TSC complex subunit 1; minus strand). Cytogenetic location: 9q34.13.
Variant type: single nucleotide variant.
Coding change: c.3400A>C on transcript NM_000368.5 (MANE Select); coding-DNA position 3400, A replaced by C.
Protein change: p.Asn1134His; replaces asparagine 1134 with histidine.
Molecular consequence: missense variant.
Genome position (GRCh38, 1-based): chr9:132,896,330, T>G on the plus strand (A>C on the coding strand, the complement: TSC1 is on the minus strand). VCF-style: chr9-132896330-T-G. GRCh37 (hg19) VCF-style: chr9-135771717-T-G.
Other names: c.3397A>C, p.Asn1133His (NM_001162426.2); c.3247A>C, p.Asn1083His (NM_001162427.2); c.3037A>C, p.Asn1013His (NM_001362177.2); short protein forms N1134H, N1083H, N1133H, N1013H.
Identifiers: ClinVar variation 466137 (VCV000466137.10), dbSNP rs1554812610, ClinGen allele CA375366451.

ClinVar aggregate classification (germline): Conflicting classifications of pathogenicity. Review status: criteria provided, conflicting classifications (1 of 4 stars). 2 submissions from 2 submitters: Uncertain significance (1); Likely benign (1). Last evaluated 2026-07-10.

Conditions:
Tuberous sclerosis 1 (TSC1). Identifiers: Orphanet 805, MedGen C1854465, MONDO:0008612, OMIM 191100.
Hereditary cancer-predisposing syndrome. Also called: Neoplastic Syndromes, Hereditary; Hereditary neoplastic syndrome; Hereditary Cancer Syndrome; Tumor predisposition. Identifiers: Orphanet 140162, MedGen C0027672, MeSH D009386, MONDO:0015356.

Submissions (2):

Ambry Genetics
Classification: Likely benign for Hereditary cancer-predisposing syndrome. Last evaluated: 2026-07-10. Review status: criteria provided, single submitter. Criteria: Ambry Variant Classification Scheme 2023. Collection method: clinical testing. Allele origin: germline.

Labcorp Genetics (formerly Invitae), Labcorp
Classification: Uncertain significance for Tuberous sclerosis 1. Last evaluated: 2023-11-28. Review status: criteria provided, single submitter. Criteria: Invitae Variant Classification Sherloc (09022015). Collection method: clinical testing. Allele origin: germline.
Comment: This sequence change replaces asparagine, which is neutral and polar, with histidine, which is basic and polar, at codon 1134 of the TSC1 protein (p.Asn1134His). This variant is not present in population databases (gnomAD no frequency). This variant has not been reported in the literature in individuals affected with TSC1-related conditions. ClinVar contains an entry for this variant (Variation ID: 466137). Advanced modeling of protein sequence and biophysical properties (such as structural, functional, and spatial information, amino acid conservation, physicochemical variation, residue mobility, and thermodynamic stability) performed at Invitae indicates that this missense variant is not expected to disrupt TSC1 protein function with a negative predictive value of 95%. In summary, the available evidence is currently insufficient to determine the role of this variant in disease. Therefore, it has been classified as a Variant of Uncertain Significance.